The following is an entry in ClinVar:

NM_001040142.2(SCN2A):c.2016+120G>A

Gene: SCN2A (sodium voltage-gated channel alpha subunit 2; plus strand). Cytogenetic location: 2q24.3.
Variant type: single nucleotide variant.
Coding change: c.2016+120G>A on transcript NM_001040142.2 (MANE Select); 120 bases into the intron after coding-DNA position 2016, G replaced by A.
Molecular consequence: intron variant.
Genome position (GRCh38, 1-based): chr2:165,323,620, G>A. VCF-style: chr2-165323620-G-A. GRCh37 (hg19) VCF-style: chr2-166180130-G-A.
Other names: c.2016+120G>A (NM_001040143.2, NM_001371246.1, NM_001371247.1 and 1 more transcripts).
Identifiers: ClinVar variation 676753 (VCV000676753.1), dbSNP rs116522869, ClinGen allele CA59737053.

ClinVar aggregate classification (germline): Likely benign (1 of 4 stars; one submission).

Allele frequency attached by ClinVar (database versions not stated): gnomAD exomes 0.00099; gnomAD 0.00824 and 0.00875; TOPMed 0.00917; 1000 Genomes Project 0.01358; 1000 Genomes Project 30x 0.01452.
gnomAD v4.1: 2,082 of 924,606 alleles (0.23%); highest among the groups gnomAD compares: African/African-American, 2.8%; 32 homozygotes.

Submission:

GeneDx
Classification: Likely benign. Last evaluated: 2018-06-14. Review status: criteria provided, single submitter. Criteria: GeneDx Variant Classification (06012015). Collection method: clinical testing. Allele origin: germline. Affected: yes.
Comment: This variant is considered likely benign or benign based on one or more of the following criteria: it is a conservative change, it occurs at a poorly conserved position in the protein, it is predicted to be benign by multiple in silico algorithms, and/or has population frequency not consistent with disease.